The following is an entry in ClinVar:

ClinVar aggregate classification (germline): Conflicting classifications of pathogenicity. Review status: criteria provided, conflicting classifications (1 of 4 stars). 9 submissions from 9 submitters: Uncertain significance (5); Likely benign (2). 2 of the submissions do not count toward it. Last evaluated 2025-12-15.

Conditions:
Hereditary cancer-predisposing syndrome. Also called: Hereditary Cancer Syndrome; Tumor predisposition; Neoplastic Syndromes, Hereditary; Hereditary neoplastic syndrome. Identifiers: Orphanet 140162, MedGen C0027672, MeSH D009386, MONDO:0015356.
Hereditary breast ovarian cancer syndrome. Also called: Hereditary breast and ovarian cancer syndrome; Hereditary breast and ovarian cancer; Hereditary breast and ovarian cancer syndrome (HBOC); BRCA1- and BRCA2-Associated Hereditary Breast and Ovarian Cancer; Hereditary breast and/or ovarian cancer syndrome; Breast and ovarian cancer. Identifiers: Orphanet 145, MedGen C0677776, MeSH D061325, MONDO:0003582. Disease mechanism: loss of function.
Breast-ovarian cancer, familial, susceptibility to, 2 (BROVCA2). Also called: BRCA2 Hereditary Breast and Ovarian Cancer. Identifiers: Orphanet 145, MedGen C2675520, MONDO:0012933, OMIM 612555. Disease mechanism: loss of function.

Allele frequency attached by ClinVar (database versions not stated): ExAC 0.00002; gnomAD 0.00001; gnomAD exomes 0.00001 and 0.00002; TOPMed 0.00001.
gnomAD v4.1: 20 of 1,613,742 alleles (0.0012%); highest among the groups gnomAD compares: East Asian, 0.0022%; no homozygotes.

Submissions (9):

Labcorp Genetics (formerly Invitae), Labcorp
Classification: Likely benign for Hereditary breast ovarian cancer syndrome. Last evaluated: 2025-12-15. Review status: criteria provided, single submitter. Criteria: Invitae Variant Classification Sherloc (09022015). Collection method: clinical testing. Allele origin: germline.

Ambry Genetics
Classification: Uncertain significance for Hereditary cancer-predisposing syndrome. Last evaluated: 2024-03-15. Review status: criteria provided, single submitter. Criteria: Ambry Variant Classification Scheme 2023. Collection method: clinical testing. Allele origin: germline.
Comment: The p.V2228A variant (also known as c.6683T>C), located in coding exon 10 of the BRCA2 gene, results from a T to C substitution at nucleotide position 6683. The valine at codon 2228 is replaced by alanine, an amino acid with similar properties. This amino acid position is not well conserved in available vertebrate species. In addition, the in silico prediction for this alteration is inconclusive. Based on the available evidence, the clinical significance of this alteration remains unclear.

Color Diagnostics, LLC DBA Color Health
Classification: Uncertain significance for Hereditary cancer-predisposing syndrome. Last evaluated: 2023-12-12. Review status: criteria provided, single submitter. Criteria: ACMG Guidelines, 2015. Collection method: clinical testing. Allele origin: germline.
Comment: This missense variant replaces valine with alanine at codon 2228 of the BRCA2 protein. Computational prediction is inconclusive regarding the impact of this variant on protein structure and function (internally defined REVEL score threshold 0.5 < inconclusive < 0.7, PMID: 27666373). To our knowledge, functional studies have not been reported for this variant. This variant has been reported in a multifactorial analysis with co-occurrence and family history likelihood ratios for pathogenicity of 1.076 and 0.217, respectively (PMID: 31131967). This variant has been identified in 5/251172 chromosomes in the general population by the Genome Aggregation Database (gnomAD). The available evidence is insufficient to determine the role of this variant in disease conclusively. Therefore, this variant is classified as a Variant of Uncertain Significance.

University of Washington Department of Laboratory Medicine, University of Washington
Classification: Likely benign for Hereditary cancer-predisposing syndrome. Last evaluated: 2023-03-23. Review status: criteria provided, single submitter. Criteria: Dines et al. (Genet Med. 2020). Collection method: curation. Allele origin: germline.
Comment: Missense variant in a coldspot region where missense variants are very unlikely to be pathogenic (PMID:31911673).

BRCA2 exon 11 coldspot. Reclassification based on statistical prior probability.

Genetics and Molecular Pathology, SA Pathology
Classification: Uncertain significance for Breast-ovarian cancer, familial, susceptibility to, 2. Last evaluated: 2020-12-14. Review status: criteria provided, single submitter. Criteria: ACMG Guidelines, 2015. Collection method: clinical testing. Allele origin: germline. Affected: yes.

GeneDx
Classification: Uncertain significance. Last evaluated: 2017-12-12. Review status: criteria provided, single submitter. Criteria: GeneDx Variant Classification (06012015). Collection method: clinical testing. Allele origin: germline. Affected: yes.
Comment: This variant is denoted BRCA2 c.6683T>C at the cDNA level, p.Val2228Ala (V2228A) at the protein level, and results in the change of a Valine to an Alanine (GTA>GCA). Using alternate nomenclature, this variant would be defined as BRCA2 6911T>C. This variant has not, to our knowledge, been published in the literature as pathogenic or benign. BRCA2 Val2228Ala was not observed at a significant allele frequency in large population cohorts (Lek 2016). Since Valine and Alanine share similar properties, this is considered a conservative amino acid substitution. BRCA2 Val2228Ala is not located in a known functional domain. In-silico analyses, including protein predictors and evolutionary conservation, support that this variant does not alter protein structure or function. Based on currently available evidence, it is unclear whether BRCA2 Val2228Ala is a pathogenic or benign variant. We consider it to be a variant of uncertain significance.

Quest Diagnostics Nichols Institute San Juan Capistrano
Classification: Uncertain significance. Last evaluated: 2017-11-09. Review status: criteria provided, single submitter. Criteria: Quest Diagnostics criteria. Collection method: clinical testing. Allele origin: germline.

Counsyl
Classification: Uncertain significance for Breast-ovarian cancer, familial, susceptibility to, 2. Last evaluated: 2016-05-12. Review status: no assertion criteria provided. Collection method: clinical testing. Allele origin: unknown. Not counted in ClinVar's aggregate classification.

Breast Cancer Information Core (BIC) (BRCA2)
Classification: Uncertain significance for Breast-ovarian cancer, familial 2. Last evaluated: 2003-12-23. Review status: no assertion criteria provided. Collection method: clinical testing. Allele origin: germline. Affected: yes. Observed: 2 variant alleles. Not counted in ClinVar's aggregate classification.

Literature cited by the submitters: PubMed 31131967 (cited by Color Diagnostics, LLC DBA Color Health).

NM_000059.4(BRCA2):c.6683T>C (p.Val2228Ala)

Gene: BRCA2 (BRCA2 DNA repair associated; plus strand). Cytogenetic location: 13q13.1.
Variant type: single nucleotide variant.
Coding change: c.6683T>C on transcript NM_000059.4 (MANE Select); coding-DNA position 6683, T replaced by C.
Protein change: p.Val2228Ala; replaces valine 2228 with alanine.
Molecular consequence: missense variant.
Genome position (GRCh38, 1-based): chr13:32,341,038, T>C. VCF-style: chr13-32341038-T-C. GRCh37 (hg19) VCF-style: chr13-32915175-T-C.
Other names: short protein forms V2228A.
Identifiers: ClinVar variation 52156 (VCV000052156.30), dbSNP rs80358894, ClinGen allele CA024288.